The following is an entry in ClinVar:

NM_001393769.1(MED12L):c.5472A>G (p.Ile1824Met)

Gene: MED12L (mediator complex subunit 12L; plus strand). Cytogenetic location: 3q25.1.
Variant type: single nucleotide variant.
Coding change: c.5472A>G on transcript NM_001393769.1 (MANE Select); coding-DNA position 5472, A replaced by G.
Protein change: p.Ile1824Met; replaces isoleucine 1824 with methionine.
Molecular consequence: missense variant.
Genome position (GRCh38, 1-based): chr3:151,389,999, A>G. VCF-style: chr3-151389999-A-G. GRCh37 (hg19) VCF-style: chr3-151107787-A-G.
Other names: c.5367A>G, p.Ile1789Met (NM_053002.6); short protein forms I1789M, I1824M.
Identifiers: ClinVar variation 2575657 (VCV002575657.1), dbSNP rs2474026913, ClinGen allele CA354977990.

ClinVar aggregate classification (germline): Uncertain significance (1 of 4 stars; one submission).

Submission:

GeneDx
Classification: Uncertain significance. Last evaluated: 2023-02-13. Review status: criteria provided, single submitter. Criteria: GeneDx Variant Classification Process June 2021. Collection method: clinical testing. Allele origin: germline. Affected: yes.
Comment: Not observed at significant frequency in large population cohorts (gnomAD); In silico analysis supports that this missense variant does not alter protein structure/function; Has not been previously published as pathogenic or benign to our knowledge